The following is an entry in ClinVar:

ClinVar aggregate classification (germline): Uncertain significance (1 of 4 stars; one submission).

Submission:

GeneDx
Classification: Uncertain significance. Last evaluated: 2025-06-03. Review status: criteria provided, single submitter. Criteria: GeneDx Variant Classification Process June 2021. Collection method: clinical testing. Allele origin: germline. Affected: yes.
Comment: Not observed at significant frequency in large population cohorts (gnomAD); In silico analysis suggests that this missense variant does not alter protein structure/function; Has not been previously published as pathogenic or benign to our knowledge

NM_000260.4(MYO7A):c.6637A>G (p.Ser2213Gly)

Gene: MYO7A (myosin VIIA; plus strand). Cytogenetic location: 11q13.5.
Variant type: single nucleotide variant.
Coding change: c.6637A>G on transcript NM_000260.4 (MANE Select); coding-DNA position 6637, A replaced by G.
Protein change: p.Ser2213Gly; replaces serine 2213 with glycine.
Molecular consequence: missense variant.
Genome position (GRCh38, 1-based): chr11:77,214,685, A>G. VCF-style: chr11-77214685-A-G. GRCh37 (hg19) VCF-style: chr11-76925730-A-G.
Other names: c.6517A>G, p.Ser2173Gly (NM_001127180.2); c.6490A>G, p.Ser2164Gly (NM_001369365.1); short protein forms S2164G, S2173G, S2213G.
Identifiers: ClinVar variation 4536342 (VCV004536342.1).